The following is an entry in ClinVar:

ClinVar aggregate classification (germline): Uncertain significance (1 of 4 stars; one submission).

Allele frequency attached by ClinVar (database versions not stated): gnomAD exomes 0.00001; ExAC 0.00002.

Submission:

CeGaT Center for Human Genetics Tuebingen
Classification: Uncertain significance. Last evaluated: 2023-03-01. Review status: criteria provided, single submitter. Criteria: CeGaT Center For Human Genetics Tuebingen Variant Classification Criteria Version 2. Collection method: clinical testing. Allele origin: germline. Affected: yes. Observed: 1 variant allele.
Comment: MED13L: PP2, BP5

NM_015335.5(MED13L):c.5957A>G (p.Asn1986Ser)

Gene: MED13L (mediator complex subunit 13L; minus strand). Cytogenetic location: 12q24.21.
Variant type: single nucleotide variant.
Coding change: c.5957A>G on transcript NM_015335.5 (MANE Select); coding-DNA position 5957, A replaced by G.
Protein change: p.Asn1986Ser; replaces asparagine 1986 with serine.
Molecular consequence: missense variant.
Genome position (GRCh38, 1-based): chr12:115,970,704, T>C on the plus strand (A>G on the coding strand, the complement: MED13L is on the minus strand). VCF-style: chr12-115970704-T-C. GRCh37 (hg19) VCF-style: chr12-116408509-T-C.
Other names: short protein forms N1986S.
Identifiers: ClinVar variation 2498568 (VCV002498568.28), dbSNP rs780504785, ClinGen allele CA6810465.
Genomic context (GRCh38, chr12:115,970,704, plus strand): 5'-TGGATGGTTGATGATGTTGGGAACACCAAGATGTGTGTACAAGAAGCATCTTGAGGGGTG[T>C]TGAGCTGAGATGACTGCATGTTCAGTGCAGTACTTCGGCCAAAAACAGAGCCCATTGTGA-3'
Protein context (NP_056150.1, residues 1976-1996): TALNMQSSQL[Asn1986Ser]TPQDASCTHI